The following is an entry in ClinVar:

NM_016122.3(CEP83):c.236C>G (p.Thr79Ser)

Gene: CEP83 (centrosomal protein 83; minus strand). Cytogenetic location: 12q22.
Variant type: single nucleotide variant.
Coding change: c.236C>G on transcript NM_016122.3 (MANE Select); coding-DNA position 236, C replaced by G.
Protein change: p.Thr79Ser; replaces threonine 79 with serine.
Molecular consequence: missense variant. On other transcripts: 5 prime UTR variant (6), non-coding transcript variant (3).
Genome position (GRCh38, 1-based): chr12:94,411,785, G>C on the plus strand (C>G on the coding strand, the complement: CEP83 is on the minus strand). VCF-style: chr12-94411785-G-C. GRCh37 (hg19) VCF-style: chr12-94805561-G-C.
Other names: c.236C>G, p.Thr79Ser (NM_001042399.2, NM_001346457.2, NM_001346460.2 and 4 more transcripts); c.-77C>G (NM_001346458.2, NM_001346459.2, NM_001346462.2 and 3 more transcripts); short protein forms T79S.
Identifiers: ClinVar variation 1040099 (VCV001040099.7), dbSNP rs928177600, ClinGen allele CA386144078.

ClinVar aggregate classification (germline): Uncertain significance (1 of 4 stars; one submission).

Conditions:
Nephronophthisis 18 (NPHP18). Identifiers: Orphanet 655, MedGen C3890591, MONDO:0014374, OMIM 615862.

gnomAD v4.1: 1 of 1,612,464 alleles (0.000062%); highest among the groups gnomAD compares: Non-Finnish European, 0.000085%; no homozygotes.

Submission:

Labcorp Genetics (formerly Invitae), Labcorp
Classification: Uncertain significance for Nephronophthisis 18. Last evaluated: 2020-07-08. Review status: criteria provided, single submitter. Criteria: Invitae Variant Classification Sherloc (09022015). Collection method: clinical testing. Allele origin: germline.
Comment: This variant is not present in population databases (ExAC no frequency). This sequence change replaces threonine with serine at codon 79 of the CEP83 protein (p.Thr79Ser). The threonine residue is moderately conserved and there is a small physicochemical difference between threonine and serine. This variant has not been reported in the literature in individuals with CEP83-related conditions. In summary, the available evidence is currently insufficient to determine the role of this variant in disease. Therefore, it has been classified as a Variant of Uncertain Significance. Algorithms developed to predict the effect of missense changes on protein structure and function output the following: SIFT: "Not Available"; PolyPhen-2: "Benign"; Align-GVGD: "Not Available". The serine amino acid residue is found in multiple mammalian species, suggesting that this missense change does not adversely affect protein function. These predictions have not been confirmed by published functional studies and their clinical significance is uncertain.